The following is an entry in ClinVar:

NM_000016.6(ACADM):c.92G>A (p.Arg31His)

Gene: ACADM (acyl-CoA dehydrogenase medium chain; plus strand). Cytogenetic location: 1p31.1.
Variant type: single nucleotide variant.
Coding change: c.92G>A on transcript NM_000016.6 (MANE Select); coding-DNA position 92, G replaced by A.
Protein change: p.Arg31His; replaces arginine 31 with histidine.
Molecular consequence: missense variant. On other transcripts: intron variant (2).
Genome position (GRCh38, 1-based): chr1:75,728,462, G>A. VCF-style: chr1-75728462-G-A. GRCh37 (hg19) VCF-style: chr1-76194147-G-A.
Other names: c.104G>A, p.Arg35His (NM_001127328.3); c.92G>A, p.Arg31His (NM_001286043.2); c.10+3645G>A (NM_001286042.2); c.-268+3645G>A (NM_001286044.2); short protein forms R31H, R35H.
Identifiers: ClinVar variation 859753 (VCV000859753.14), dbSNP rs529894272, ClinGen allele CA912941.

ClinVar aggregate classification (germline): Conflicting classifications of pathogenicity. Review status: criteria provided, conflicting classifications (1 of 4 stars). 6 submissions from 6 submitters: Pathogenic (2); Likely pathogenic (3); Uncertain significance (1). Last evaluated 2026-01-06.

Conditions:
Medium-chain acyl-coenzyme A dehydrogenase deficiency (ACADMD). Also called: Medium chain acyl-CoA dehydrogenase deficiency; ACADM DEFICIENCY; MCADH DEFICIENCY; MCAD Deficiency; MCADD; CARNITINE DEFICIENCY SECONDARY TO MEDIUM-CHAIN ACYL-CoA DEHYDROGENASE DEFICIENCY. Identifiers: Orphanet 42, MedGen C0220710, MONDO:0008721, OMIM 201450.

Allele frequency attached by ClinVar (database versions not stated): TOPMed below 0.00001; gnomAD 0.00001 and 0.00002; gnomAD exomes 0.00002 and 0.00004; ExAC 0.00007; 1000 Genomes Project 30x 0.00016; 1000 Genomes Project 0.00020.
gnomAD v4.1: 29 of 1,613,244 alleles (0.0018%); highest among the groups gnomAD compares: South Asian, 0.029%; no homozygotes.

Submissions (6):

Natera, Inc.
Classification: Likely pathogenic for Medium Chain Acyl-CoA Dehydrogenase Deficiency. Last evaluated: 2026-01-06. Review status: criteria provided, single submitter. Criteria: Natera Variant Classification Schema (03/2026). Collection method: clinical testing. Allele origin: germline.
Comment: The c.92G>A variant in ACADM is a missense variant predicted to cause substitution of arginine to histidine at amino acid 31. This variant is rare in the general population with a frequency below the threshold expected for the associated phenotype(s). This variant has been observed in one or more individuals affected with the associated recessive disease, as either homozygous or compound heterozygous with a second variant (PMID: 33580884). A different variant at the same position has been determined to be Pathogenic or Likely Pathogenic. Multiple computational prediction algorithms suggest this variant is unlikely to affect gene or protein function. Given the available evidence, this variant is classified as Likely Pathogenic.

Labcorp Genetics (formerly Invitae), Labcorp
Classification: Pathogenic for Medium-chain acyl-coenzyme A dehydrogenase deficiency. Last evaluated: 2025-10-30. Review status: criteria provided, single submitter. Criteria: Invitae Variant Classification Sherloc (09022015). Collection method: clinical testing. Allele origin: germline.
Comment: This sequence change replaces arginine, which is basic and polar, with histidine, which is basic and polar, at codon 31 of the ACADM protein (p.Arg31His). This variant is present in population databases (rs529894272, gnomAD 0.03%). This missense change has been observed in individual(s) with medium chain acyl-CoA dehydrogenase deficiency (PMID: 24966162; internal data). ClinVar contains an entry for this variant (Variation ID: 859753). Invitae Evidence Modeling of protein sequence and biophysical properties (such as structural, functional, and spatial information, amino acid conservation, physicochemical variation, residue mobility, and thermodynamic stability) indicates that this missense variant is not expected to disrupt ACADM protein function with a negative predictive value of 95%. Experimental studies have shown that this missense change affects ACADM function (PMID: 24966162). This variant disrupts the p.Arg31 amino acid residue in ACADM. Other variant(s) that disrupt this residue have been observed in individuals with ACADM-related conditions (PMID: 33841490), which suggests that this may be a clinically significant amino acid residue. For these reasons, this variant has been classified as Pathogenic.

Women's Health and Genetics/Laboratory Corporation of America, LabCorp
Classification: Pathogenic for Medium-chain acyl-coenzyme A dehydrogenase deficiency. Last evaluated: 2025-05-27. Review status: criteria provided, single submitter. Criteria: LabCorp Variant Classification Summary - May 2015. Collection method: clinical testing. Allele origin: germline.
Comment: Variant summary: ACADM c.92G>A (p.Arg31His) results in a non-conservative amino acid change in the encoded protein sequence. Algorithms developed to predict the effect of missense changes on protein structure and function are either unavailable or do not agree on the potential impact of this missense change. The variant allele was found at a frequency of 4.4e-05 in 251416 control chromosomes. This frequency is not significantly higher than estimated for a pathogenic variant in ACADM causing Medium Chain Acyl-CoA Dehydrogenase Deficiency (4.4e-05 vs 0.0054), allowing no conclusion about variant significance. c.92G>A has been observed in individuals affected with Medium Chain Acyl-CoA Dehydrogenase Deficiency (e.g., Bentler_2016, Tucci_2021, internal data). A different variant affecting the same codon has been classified as likely pathogenic/pathogenic by our lab (c.91C>T; p.Arg31Cys), supporting the critical relevance of codon 31 to ACADM protein function. In a functional study, the variant was reported to have a C8-CoA oxidation activity of 40% compared to wild-type with similar temperature-sensitive decreases in activity compared to wild-type (Koster_2014). The following publications have been ascertained in the context of this evaluation (PMID: 24966162, 27477829, 33580884). ClinVar contains an entry for this variant (Variation ID: 859753). Based on the evidence outlined above, the variant was classified as pathogenic.

Blueprint Genetics
Classification: Uncertain significance. Last evaluated: 2024-08-16. Review status: criteria provided, single submitter. Criteria: ACMG Guidelines, 2015. Collection method: clinical testing. Allele origin: germline.

Fulgent Genetics
Classification: Likely pathogenic for Medium-chain acyl-coenzyme A dehydrogenase deficiency. Last evaluated: 2024-03-02. Review status: criteria provided, single submitter. Criteria: ACMG Guidelines, 2015. Collection method: clinical testing. Allele origin: germline.

Baylor Genetics
Classification: Likely pathogenic for Medium-chain acyl-coenzyme A dehydrogenase deficiency. Last evaluated: 2023-10-26. Review status: criteria provided, single submitter. Criteria: ACMG Guidelines, 2015. Collection method: clinical testing. Allele origin: unknown.

Literature cited by the submitters: PubMed 33580884 (cited by Natera, Inc. and Women's Health and Genetics/Laboratory Corporation of America, LabCorp); PubMed 24966162 (cited by Labcorp Genetics (formerly Invitae), Labcorp and Women's Health and Genetics/Laboratory Corporation of America, LabCorp); PubMed 33841490 (cited by Labcorp Genetics (formerly Invitae), Labcorp); PubMed 27477829 (cited by Women's Health and Genetics/Laboratory Corporation of America, LabCorp).